The following is an entry in ClinVar:

NM_019892.6(INPP5E):c.1747G>A (p.Asp583Asn)

Gene: INPP5E (inositol polyphosphate-5-phosphatase E; minus strand). Cytogenetic location: 9q34.3.
Variant type: single nucleotide variant.
Coding change: c.1747G>A on transcript NM_019892.6 (MANE Select); coding-DNA position 1747, G replaced by A.
Protein change: p.Asp583Asn; replaces aspartic acid 583 with asparagine.
Molecular consequence: missense variant.
Genome position (GRCh38, 1-based): chr9:136,430,332, C>T on the plus strand (G>A on the coding strand, the complement: INPP5E is on the minus strand). VCF-style: chr9-136430332-C-T. GRCh37 (hg19) VCF-style: chr9-139324784-C-T.
Other names: c.1744G>A, p.Asp582Asn (NM_001318502.2); short protein forms D583N, D582N.
Identifiers: ClinVar variation 937649 (VCV000937649.15), dbSNP rs756888841, ClinGen allele CA5336671.
Genomic context (GRCh38, chr9:136,430,332, plus strand): 5'-CTGACTTGTCTCGCCCCGGCCTCACTTTCACCCGGAAGAGGCCATACACAGGGCGGTGGT[C>T]GGACGTCTTGATCCCGGGGCAGGAAGAGTAGCTCACAGGACAGATGTCACCCTTGTGGCG-3'
Protein context (NP_063945.2, residues 573-593): YSSCPGIKTS[Asp583Asn]HRPVYGLFRV

ClinVar aggregate classification (germline): Conflicting classifications of pathogenicity. Review status: criteria provided, conflicting classifications (1 of 4 stars). 4 submissions from 4 submitters: Pathogenic (1); Uncertain significance (3). Last evaluated 2024-05-13.

Conditions:
Joubert syndrome 1 (JBTS1). Also called: CEREBELLOPARENCHYMAL DISORDER IV; Cerebellooculorenal syndrome 1. Identifiers: MedGen C4551568, MONDO:0008944, OMIM 213300.
MORM syndrome (MORMS). Identifiers: Orphanet 75858, MedGen C1857802, MONDO:0012423, OMIM 610156.
Inborn genetic diseases. Identifiers: MedGen C0950123, MeSH D030342.
Joubert syndrome. Also called: JOUBERT-BOLTSHAUSER SYNDROME; Familial aplasia of the vermis. Identifiers: Orphanet 475, MedGen C5979921, MONDO:0018772.

Allele frequency attached by ClinVar (database versions not stated): gnomAD exomes 0.00001; gnomAD 0.00002; TOPMed 0.00003; ExAC 0.00009.
gnomAD v4.1: 8 of 1,552,596 alleles (0.00052%); highest among the groups gnomAD compares: South Asian, 0.0024%; no homozygotes.

Submissions (4):

Fulgent Genetics
Classification: Uncertain significance for Joubert syndrome 1; MORM syndrome. Last evaluated: 2024-05-13. Review status: criteria provided, single submitter. Criteria: ACMG Guidelines, 2015. Collection method: clinical testing. Allele origin: germline.

Labcorp Genetics (formerly Invitae), Labcorp
Classification: Pathogenic for Joubert syndrome. Last evaluated: 2022-11-15. Review status: criteria provided, single submitter. Criteria: Invitae Variant Classification Sherloc (09022015). Collection method: clinical testing. Allele origin: germline.
Comment: For these reasons, this variant has been classified as Pathogenic. Advanced modeling of protein sequence and biophysical properties (such as structural, functional, and spatial information, amino acid conservation, physicochemical variation, residue mobility, and thermodynamic stability) performed at Invitae indicates that this missense variant is expected to disrupt INPP5E protein function. ClinVar contains an entry for this variant (Variation ID: 937649). This missense change has been observed in individual(s) with clinical features of Joubert syndrome (Invitae). In at least one individual the data is consistent with being in trans (on the opposite chromosome) from a pathogenic variant. This variant is present in population databases (rs756888841, gnomAD 0.009%). This sequence change replaces aspartic acid, which is acidic and polar, with asparagine, which is neutral and polar, at codon 583 of the INPP5E protein (p.Asp583Asn).

Blueprint Genetics
Classification: Uncertain significance. Last evaluated: 2018-11-15. Review status: criteria provided, single submitter. Criteria: ACMG Guidelines, 2015. Collection method: clinical testing. Allele origin: germline.

Ambry Genetics
Classification: Uncertain significance for Inborn genetic diseases. Last evaluated: 2017-12-07. Review status: criteria provided, single submitter. Criteria: Ambry exome assertion method (8-5-2015). Collection method: clinical testing. Allele origin: germline. Affected: yes. Observed: 1 variant allele.

Literature cited by the submitters: PubMed 19668216 (cited by Ambry Genetics).